The following is an entry in ClinVar:

NM_000284.4(PDHA1):c.986T>G (p.Leu329Arg)

Gene: PDHA1 (pyruvate dehydrogenase E1 subunit alpha 1; plus strand). Cytogenetic location: Xp22.12.
Variant type: single nucleotide variant.
Coding change: c.986T>G on transcript NM_000284.4 (MANE Select); coding-DNA position 986, T replaced by G.
Protein change: p.Leu329Arg; replaces leucine 329 with arginine.
Molecular consequence: missense variant.
Genome position (GRCh38, 1-based): chrX:19,359,002, T>G. VCF-style: chrX-19359002-T-G. GRCh37 (hg19) VCF-style: chrX-19377120-T-G.
Other names: c.1100T>G, p.Leu367Arg (NM_001173454.2); c.1007T>G, p.Leu336Arg (NM_001173455.2); c.893T>G, p.Leu298Arg (NM_001173456.2); short protein forms L298R, L329R, L336R, L367R.
Identifiers: ClinVar variation 4070287 (VCV004070287.1).

ClinVar aggregate classification (germline): Likely pathogenic (0 of 4 stars; one submission).

Conditions:
Pyruvate dehydrogenase E1-alpha deficiency (PDHAD). Also called: ATAXIA, INTERMITTENT, WITH PYRUVATE DEHYDROGENASE DEFICIENCY; ATAXIA WITH LACTIC ACIDOSIS I; ATAXIA, INTERMITTENT, WITH ABNORMAL PYRUVATE METABOLISM; Ataxia, intermittent, with pyruvate dehydrogenase, or decarboxylase, deficiency. Identifiers: Orphanet 79243, MedGen C1839413, MONDO:0010717, OMIM 312170.

Submission:

PDHA1 Study Group, University Children’s Hospital, Paracelsus Medical University
Classification: Likely pathogenic for Pyruvate dehydrogenase E1-alpha deficiency. Last evaluated: 2024-10-15. Review status: no assertion criteria provided. Collection method: research. Allele origin: de novo. Affected: yes. Observed: 2 variant alleles.
Comment: The NM_000284.3:c.986T>G (p.Leu329Arg) substitution is a missense variant in PDHA1 gene. In total, 2 individuals were diagnosed with PDHA1-related Pyruvate dehydrogenase complex (PDHc) deficiency (MIM #312170). Among them, 1 case had confirmed de novo occurrence. The variant has been reported in 1 published case (PMIDs: 10679936). Last literature search: July 12, 2024. This variant is absent or extremely rare in population-based cohorts in the Genome Aggregation Database (gnomAD). Individuals harboring this variant presented with clinical features compatible with PDHA1-related PDHc deficiency. In summary, this variant meets criteria to be classified as likely pathogenic (LP) for PDHA1-related PDHc deficiency based on the ACMG/AMP criteria applied: PS3, PM2, PM7, PP3 (last assessment October 15, 2024).

Literature cited by the submitters: PubMed 10679936; DOI 10.1093/brain/awaf430.